The following is an entry in ClinVar:

NM_000187.4(HGD):c.469G>T (p.Val157Phe)

Gene: HGD (homogentisate 1,2-dioxygenase; minus strand). Cytogenetic location: 3q13.33.
Variant type: single nucleotide variant.
Coding change: c.469G>T on transcript NM_000187.4 (MANE Select); coding-DNA position 469, G replaced by T.
Protein change: p.Val157Phe; replaces valine 157 with phenylalanine.
Molecular consequence: missense variant.
Genome position (GRCh38, 1-based): chr3:120,647,877, C>A on the plus strand (G>T on the coding strand, the complement: HGD is on the minus strand). VCF-style: chr3-120647877-C-A. GRCh37 (hg19) VCF-style: chr3-120366724-C-A.
Other names: short protein forms V157F.
Identifiers: ClinVar variation 2626842 (VCV002626842.1), dbSNP rs1941214001, ClinGen allele CA354077329.

ClinVar aggregate classification (germline): Pathogenic (0 of 4 stars; one submission).

Conditions:
Alkaptonuria (AKU). Also called: Alkaptonuric ochronosis; Homogentisic acidura; Alcaptonuria; HOMOGENTISIC ACID OXIDASE DEFICIENCY. Identifiers: Orphanet 56, MedGen C0002066, MONDO:0008753, OMIM 203500.

Allele frequency attached by ClinVar (database versions not stated): gnomAD exomes below 0.00001; TOPMed below 0.00001; gnomAD 0.00001.
gnomAD v4.1: 3 of 1,611,408 alleles (0.00019%); highest among the groups gnomAD compares: South Asian, 0.0022%; no homozygotes.

Submission:

Department Of Human Genetics, Institute Of Clinical And Translational Research, Biomedical Research Center, Slovak Academy Of Sciences
Classification: Pathogenic for Alkaptonuria. Review status: no assertion criteria provided. Collection method: research. Allele origin: germline. Inheritance: Autosomal recessive inheritance. Affected: yes. Observed: 3 variant alleles.
Comment: The variant was originally described in AKU patients in PMID: 25681086. It has been submitted to the HGD gene mutation database (DB-ID: AKU_00AKU_00206).

Literature cited by the submitters: PubMed 25681086.